The following is an entry in ClinVar:

NM_017780.4(CHD7):c.8295G>C (p.Gln2765His)

Gene: CHD7 (chromodomain helicase DNA binding protein 7; plus strand). Cytogenetic location: 8q12.2.
Variant type: single nucleotide variant.
Coding change: c.8295G>C on transcript NM_017780.4 (MANE Select); coding-DNA position 8295, G replaced by C.
Protein change: p.Gln2765His; replaces glutamine 2765 with histidine.
Molecular consequence: missense variant.
Genome position (GRCh38, 1-based): chr8:60,865,234, G>C. VCF-style: chr8-60865234-G-C. GRCh37 (hg19) VCF-style: chr8-61777793-G-C.
Other names: c.2148G>C, p.Gln716His (NM_001316690.1); short protein forms Q716H, Q2765H.
Identifiers: ClinVar variation 1762780 (VCV001762780.2), dbSNP rs375083875, ClinGen allele CA4760983.

ClinVar aggregate classification (germline): Uncertain significance (1 of 4 stars; one submission).

Conditions:
Inborn genetic diseases. Identifiers: MedGen C0950123, MeSH D030342.

Allele frequency attached by ClinVar (database versions not stated): gnomAD exomes below 0.00001; ExAC 0.00001; gnomAD 0.00001; ESP Exome Variant Server 0.00008.
gnomAD v4.1: 4 of 1,608,570 alleles (0.00025%); highest among the groups gnomAD compares: African/African-American, 0.0053%; no homozygotes.

Submission:

Ambry Genetics
Classification: Uncertain significance for Inborn genetic diseases. Last evaluated: 2017-10-30. Review status: criteria provided, single submitter. Criteria: Ambry Variant Classification Scheme 2023. Collection method: clinical testing. Allele origin: germline.
Comment: The p.Q2765H variant (also known as c.8295G>C), located in coding exon 37 of the CHD7 gene, results from a G to C substitution at nucleotide position 8295. The glutamine at codon 2765 is replaced by histidine, an amino acid with highly similar properties. This amino acid position is highly conserved in available vertebrate species. In addition, the in silico prediction for this alteration is inconclusive. Since supporting evidence is limited at this time, the clinical significance of this alteration remains unclear.